The following is an entry in ClinVar:

NM_005148.4(UNC119):c.306C>T (p.Leu102=)

Gene: UNC119 (unc-119 lipid binding chaperone; minus strand). Cytogenetic location: 17q11.2.
Variant type: single nucleotide variant.
Coding change: c.306C>T on transcript NM_005148.4 (MANE Select); coding-DNA position 306, C replaced by T.
Protein change: p.Leu102=; no amino-acid change (leucine 102 retained).
Molecular consequence: synonymous variant.
Genome position (GRCh38, 1-based): chr17:28,548,620, G>A on the plus strand (C>T on the coding strand, the complement: UNC119 is on the minus strand). VCF-style: chr17-28548620-G-A. GRCh37 (hg19) VCF-style: chr17-26875638-G-A.
Other names: c.21C>T, p.Leu7= (NM_001330166.2); c.306C>T, p.Leu102= (NM_054035.2); c.306C>T (NM_005148.3).
Identifiers: ClinVar variation 1592974 (VCV001592974.10), dbSNP rs776791080, ClinGen allele CA8459858.
Genomic context (GRCh38, chr17:28,548,620, plus strand): 5'-CTCCCCATCAATGGCCCACCCAGCCCACTCACCTGAGACTGGGGGCTTCTTGATTTCAAA[G>A]AGGACAGTGCCTGAGTCCATGTCCCGAATCTTAAACCTGACAAAGTCGATCTTGTAGATA-3'
Protein context (NP_005139.1, residues 92-112): KIRDMDSGTV[Leu102=]FEIKKPPVSE

ClinVar aggregate classification (germline): Likely benign. Review status: criteria provided, multiple submitters, no conflicts (2 of 4 stars). 3 submissions from 3 submitters: Likely benign (3). Last evaluated 2025-05-28.

Conditions:
UNC119-related disorder. Also called: UNC119-related condition.

Allele frequency attached by ClinVar (database versions not stated): ExAC 0.00002; gnomAD exomes 0.00003 and 0.00005; gnomAD 0.00011 and 0.00012; TOPMed 0.00012.
gnomAD v4.1: 67 of 1,614,200 alleles (0.0042%); highest among the groups gnomAD compares: Admixed American, 0.035%; no homozygotes.

Submissions (3):

PreventionGenetics, part of Exact Sciences
Classification: Likely benign for UNC119-related condition. Last evaluated: 2025-05-28. Review status: criteria provided, single submitter. Criteria: ACMG Guidelines, 2015. Collection method: clinical testing. Allele origin: germline.
Comment: This variant is classified as likely benign based on ACMG/AMP sequence variant interpretation guidelines (Richards et al. 2015 PMID: 25741868, with internal and published modifications).

Labcorp Genetics (formerly Invitae), Labcorp
Classification: Likely benign. Last evaluated: 2025-04-28. Review status: criteria provided, single submitter. Criteria: Invitae Variant Classification Sherloc (09022015). Collection method: clinical testing. Allele origin: germline.

Blueprint Genetics
Classification: Likely benign. Last evaluated: 2024-09-13. Review status: criteria provided, single submitter. Criteria: ACMG Guidelines, 2015. Collection method: clinical testing. Allele origin: germline.